The following is an entry in ClinVar:

ClinVar aggregate classification (germline): Uncertain significance (1 of 4 stars; one submission).

Submission:

CeGaT Center for Human Genetics Tuebingen
Classification: Uncertain significance. Last evaluated: 2022-04-01. Review status: criteria provided, single submitter. Criteria: CeGaT Center For Human Genetics Tuebingen Variant Classification Criteria Version 2. Collection method: clinical testing. Allele origin: germline. Affected: yes. Observed: 1 variant allele.
Comment: STAG1: PP2

NM_005862.3(STAG1):c.95A>G (p.Lys32Arg)

Gene: STAG1 (STAG1 cohesin complex component; minus strand). Cytogenetic location: 3q22.3.
Variant type: single nucleotide variant.
Coding change: c.95A>G on transcript NM_005862.3 (MANE Select); coding-DNA position 95, A replaced by G.
Protein change: p.Lys32Arg; replaces lysine 32 with arginine.
Molecular consequence: missense variant.
Genome position (GRCh38, 1-based): chr3:136,623,183, T>C on the plus strand (A>G on the coding strand, the complement: STAG1 is on the minus strand). VCF-style: chr3-136623183-T-C. GRCh37 (hg19) VCF-style: chr3-136342025-T-C.
Other names: short protein forms K32R.
Identifiers: ClinVar variation 2654185 (VCV002654185.24), dbSNP rs1271673723, ClinGen allele CA354745289.